The following is an entry in ClinVar:

ClinVar aggregate classification (germline): Uncertain significance. Review status: criteria provided, multiple submitters, no conflicts (2 of 4 stars). 2 submissions from 2 submitters: Uncertain significance (2). Last evaluated 2021-07-15.

Conditions:
Hereditary cancer-predisposing syndrome. Also called: Neoplastic Syndromes, Hereditary; Tumor predisposition; Hereditary Cancer Syndrome; Hereditary neoplastic syndrome. Identifiers: Orphanet 140162, MedGen C0027672, MeSH D009386, MONDO:0015356.

Allele frequency attached by ClinVar (database versions not stated): gnomAD exomes below 0.00001.
gnomAD v4.1: 1 of 1,613,194 alleles (0.000062%); highest among the groups gnomAD compares: Non-Finnish European, 0.000085%; no homozygotes.

Submissions (2):

Labcorp Genetics (formerly Invitae), Labcorp
Classification: Uncertain significance for Hereditary cancer-predisposing syndrome. Last evaluated: 2021-07-15. Review status: criteria provided, single submitter. Criteria: Invitae Variant Classification Sherloc (09022015). Collection method: clinical testing. Allele origin: germline.
Comment: This sequence change replaces lysine with glutamic acid at codon 583 of the RAD50 protein (p.Lys583Glu). The lysine residue is moderately conserved and there is a small physicochemical difference between lysine and glutamic acid. This variant is not present in population databases (ExAC no frequency). This variant has not been reported in the literature in individuals affected with RAD50-related conditions. ClinVar contains an entry for this variant (Variation ID: 819979). Algorithms developed to predict the effect of missense changes on protein structure and function are either unavailable or do not agree on the potential impact of this missense change (SIFT: "Deleterious"; PolyPhen-2: "Possibly Damaging"; Align-GVGD: "Class C0"). In summary, the available evidence is currently insufficient to determine the role of this variant in disease. Therefore, it has been classified as a Variant of Uncertain Significance.

Ambry Genetics
Classification: Uncertain significance for Hereditary cancer-predisposing syndrome. Last evaluated: 2018-09-11. Review status: criteria provided, single submitter. Criteria: Ambry Variant Classification Scheme 2023. Collection method: clinical testing. Allele origin: germline.
Comment: The p.K583E variant (also known as c.1747A>G), located in coding exon 11 of the RAD50 gene, results from an A to G substitution at nucleotide position 1747. The lysine at codon 583 is replaced by glutamic acid, an amino acid with similar properties. This amino acid position is highly conserved in available vertebrate species. In addition, this alteration is predicted to be deleterious by in silico analysis. Since supporting evidence is limited at this time, the clinical significance of this alteration remains unclear.

NM_005732.4(RAD50):c.1747A>G (p.Lys583Glu)

Gene: RAD50 (RAD50 double strand break repair protein; plus strand). Cytogenetic location: 5q31.1.
Variant type: single nucleotide variant.
Coding change: c.1747A>G on transcript NM_005732.4 (MANE Select); coding-DNA position 1747, A replaced by G.
Protein change: p.Lys583Glu; replaces lysine 583 with glutamic acid.
Molecular consequence: missense variant.
Genome position (GRCh38, 1-based): chr5:132,591,988, A>G. VCF-style: chr5-132591988-A-G. GRCh37 (hg19) VCF-style: chr5-131927680-A-G.
Other names: short protein forms K583E.
Identifiers: ClinVar variation 819979 (VCV000819979.12), dbSNP rs1580994940, ClinGen allele CA360946603.